The following is an entry in ClinVar:

ClinVar aggregate classification (germline): Likely pathogenic (1 of 4 stars; one submission).

Conditions:
LAMA2-related muscular dystrophy (LAMA2-RD). Also called: Laminin alpha 2-related dystrophy. Identifiers: MedGen C5679788, MONDO:0100228.

Submission:

Myriad Genetics, Inc.
Classification: Likely pathogenic for LAMA2-related muscular dystrophy. Last evaluated: 2021-12-27. Review status: criteria provided, single submitter. Criteria: Myriad Autosomal Dominant, Autosomal Recessive and X-Linked Classification Criteria (2023). Collection method: clinical testing. Allele origin: unknown.
Comment: NM_000426.3(LAMA2):c.6248_6249delTT(V2083Efs*24) is expected to be pathogenic in the context of muscular dystrophy, LAMA2-related. This variant is predicted to lead to an abnormal or absent protein product due to the creation of a premature termination codon in LAMA2, a gene where loss-of-function variants are known to be pathogenic. Please note: this variant was assessed in the context of healthy population screening.

NM_000426.4(LAMA2):c.6248_6249del (p.Val2083fs)

Genes: LAMA2 (laminin subunit alpha 2; plus strand), LOC123864065 (Sharpr-MPRA regulatory region 661; plus strand). Cytogenetic location: 6q22.33.
Variant type: Deletion.
Coding change: c.6248_6249del on transcript NM_000426.4 (MANE Select); coding-DNA positions 6248 to 6249, 2 bases deleted (TT; older notation c.6248_6249delTT).
Protein change: p.Val2083fs; shifts the reading frame from valine 2083.
Molecular consequence: frameshift variant.
Genome position (GRCh38, 1-based): chr6:129,440,978-129,440,979, TT deleted. VCF-style (leftmost placement, unchanged base first): chr6-129440977-GTT-G. GRCh37 (hg19) VCF-style: chr6-129762122-GTT-G.
Other names: c.6248_6249del, p.Val2083fs (NM_001079823.2); short protein forms V2083fs.
Identifiers: ClinVar variation 1726602 (VCV001726602.3), dbSNP rs2533386141, ClinGen allele CA2580075064.